The following is an entry in ClinVar:

NM_021619.3(PRDM12):c.992A>G (p.Gln331Arg)

Gene: PRDM12 (PR/SET domain 12; plus strand). Cytogenetic location: 9q34.12.
Variant type: single nucleotide variant.
Coding change: c.992A>G on transcript NM_021619.3 (MANE Select); coding-DNA position 992, A replaced by G.
Protein change: p.Gln331Arg; replaces glutamine 331 with arginine.
Molecular consequence: missense variant.
Genome position (GRCh38, 1-based): chr9:130,681,557, A>G. VCF-style: chr9-130681557-A-G. GRCh37 (hg19) VCF-style: chr9-133556944-A-G.
Other names: p.Gln331Arg; short protein forms Q331R.
Identifiers: ClinVar variation 3379909 (VCV003379909.1).

ClinVar aggregate classification (germline): Uncertain significance (1 of 4 stars; one submission).

gnomAD v4.1: 1 of 1,229,032 alleles (0.000081%); highest among the groups gnomAD compares: Non-Finnish European, 0.0001%; no homozygotes.

Submission:

Mayo Clinic Laboratories, Mayo Clinic
Classification: Uncertain significance. Last evaluated: 2024-02-20. Review status: criteria provided, single submitter. Criteria: ACMG Guidelines, 2015. Collection method: clinical testing. Allele origin: germline. Observed: 1 variant allele.
Comment: BP4, PM2